The following is an entry in ClinVar:

NM_001378120.1(MBD5):c.1955A>G (p.Gln652Arg)

Gene: MBD5 (methyl-CpG binding domain protein 5; plus strand). Cytogenetic location: 2q23.1.
Variant type: single nucleotide variant.
Coding change: c.1955A>G on transcript NM_001378120.1 (MANE Select); coding-DNA position 1955, A replaced by G.
Protein change: p.Gln652Arg; replaces glutamine 652 with arginine.
Molecular consequence: missense variant.
Genome position (GRCh38, 1-based): chr2:148,469,898, A>G. VCF-style: chr2-148469898-A-G. GRCh37 (hg19) VCF-style: chr2-149227467-A-G.
Other names: c.1955A>G, p.Gln652Arg (NM_018328.5); short protein forms Q652R.
Identifiers: ClinVar variation 95898 (VCV000095898.14), dbSNP rs398124342, ClinGen allele CA223522.

ClinVar aggregate classification (germline): Uncertain significance. Review status: criteria provided, multiple submitters, no conflicts (2 of 4 stars). 2 submissions from 2 submitters: Uncertain significance (2). Last evaluated 2025-08-20.

Conditions:
Intellectual developmental disorder, autosomal dominant 1. Also called: MBD5 Haploinsufficiency; Intellectual disability, autosomal dominant 1. Identifiers: Orphanet 228402, MedGen C1969562, MONDO:0007974, OMIM 156200.

Allele frequency attached by ClinVar (database versions not stated): TOPMed below 0.00001; ExAC 0.00002; gnomAD exomes 0.00001.
gnomAD v4.1: 10 of 1,613,994 alleles (0.00062%); highest among the groups gnomAD compares: Admixed American, 0.0017%; no homozygotes.

Submissions (2):

Labcorp Genetics (formerly Invitae), Labcorp
Classification: Uncertain significance for Intellectual developmental disorder, autosomal dominant 1. Last evaluated: 2025-08-20. Review status: criteria provided, single submitter. Criteria: Invitae Variant Classification Sherloc (09022015). Collection method: clinical testing. Allele origin: germline.
Comment: This sequence change replaces glutamine, which is neutral and polar, with arginine, which is basic and polar, at codon 652 of the MBD5 protein (p.Gln652Arg). This variant is present in population databases (rs398124342, gnomAD 0.002%). This variant has not been reported in the literature in individuals affected with MBD5-related conditions. ClinVar contains an entry for this variant (Variation ID: 95898). Invitae Evidence Modeling of protein sequence and biophysical properties (such as structural, functional, and spatial information, amino acid conservation, physicochemical variation, residue mobility, and thermodynamic stability) indicates that this missense variant is not expected to disrupt MBD5 protein function with a negative predictive value of 80%. In summary, the available evidence is currently insufficient to determine the role of this variant in disease. Therefore, it has been classified as a Variant of Uncertain Significance.

Eurofins Ntd Llc (ga)
Classification: Uncertain significance. Last evaluated: 2013-04-04. Review status: criteria provided, single submitter. Criteria: EGL Classification Definitions 2015. Collection method: clinical testing. Allele origin: germline. Observed: 1 variant allele, 1 heterozygote.